The following is an entry in ClinVar:

ClinVar aggregate classification (germline): Uncertain significance (1 of 4 stars; one submission).

Submission:

Labcorp Genetics (formerly Invitae), Labcorp
Classification: Uncertain significance. Last evaluated: 2021-12-18. Review status: criteria provided, single submitter. Criteria: Invitae Variant Classification Sherloc (09022015). Collection method: clinical testing. Allele origin: germline.
Comment: In summary, the available evidence is currently insufficient to determine the role of this variant in disease. Therefore, it has been classified as a Variant of Uncertain Significance. Algorithms developed to predict the effect of missense changes on protein structure and function are either unavailable or do not agree on the potential impact of this missense change (SIFT: "Deleterious"; PolyPhen-2: "Possibly Damaging"; Align-GVGD: "Class C0"). This variant has not been reported in the literature in individuals affected with CACNA1D-related conditions. This variant is not present in population databases (gnomAD no frequency). This sequence change replaces alanine, which is neutral and non-polar, with proline, which is neutral and non-polar, at codon 1460 of the CACNA1D protein (p.Ala1460Pro).

NM_001128840.3(CACNA1D):c.4318G>C (p.Ala1440Pro)

Gene: CACNA1D (calcium voltage-gated channel subunit alpha1 D; plus strand). Cytogenetic location: 3p21.1.
Variant type: single nucleotide variant.
Coding change: c.4318G>C on transcript NM_001128840.3 (MANE Select); coding-DNA position 4318, G replaced by C.
Protein change: p.Ala1440Pro; replaces alanine 1440 with proline.
Molecular consequence: missense variant.
Genome position (GRCh38, 1-based): chr3:53,776,001, G>C. VCF-style: chr3-53776001-G-C. GRCh37 (hg19) VCF-style: chr3-53810028-G-C.
Other names: c.4378G>C, p.Ala1460Pro (NM_000720.4); c.4273G>C, p.Ala1425Pro (NM_001128839.3); short protein forms A1425P, A1440P, A1460P.
Identifiers: ClinVar variation 2045857 (VCV002045857.4), dbSNP rs2474246106, ClinGen allele CA353242189.
Genomic context (GRCh38, chr3:53,776,001, plus strand): 5'-CTCTGTGACCCTGAGTCAGATTACAACCCCGGGGAGGAGTATACATGTGGGAGCAACTTT[G>C]CCATTGTCTATTTCATCAGTTTTTACATGCTCTGTGCATTTCTGGTAAGTGAGCAACACA-3'
Protein context (NP_001122312.1, residues 1430-1450): GEEYTCGSNF[Ala1440Pro]IVYFISFYML